The following is an entry in ClinVar:

NM_002427.4(MMP13):c.301G>T (p.Val101Leu)

Genes: MMP13 (matrix metallopeptidase 13; minus strand), LOC126861318 (BRD4-independent group 4 enhancer GRCh37_chr11:102825894-102827093; plus strand). Cytogenetic location: 11q22.2.
Variant type: single nucleotide variant.
Coding change: c.301G>T on transcript NM_002427.4 (MANE Select); coding-DNA position 301, G replaced by T.
Protein change: p.Val101Leu; replaces valine 101 with leucine.
Molecular consequence: missense variant.
Genome position (GRCh38, 1-based): chr11:102,955,313, C>A on the plus strand (G>T on the coding strand, the complement: MMP13 is on the minus strand). VCF-style: chr11-102955313-C-A. GRCh37 (hg19) VCF-style: chr11-102826042-C-A.
Other names: short protein forms V101L.
Identifiers: ClinVar variation 301990 (VCV000301990.15), dbSNP rs151254531, ClinGen allele CA6252030.

ClinVar aggregate classification (germline): Uncertain significance. Review status: criteria provided, multiple submitters, no conflicts (2 of 4 stars). 4 submissions from 3 submitters: Uncertain significance (4). Last evaluated 2025-09-30.

Conditions:
Metaphyseal anadysplasia. Also called: Early-onset regressive form of metaphyseal dysplasia. Identifiers: Orphanet 1040, MedGen C0432226, MONDO:0015177.
Spondyloepimetaphyseal dysplasia, Missouri type. Identifiers: Orphanet 1040, Orphanet 93356, MedGen C1865832, MONDO:0011198, OMIM 602111.

Allele frequency attached by ClinVar (database versions not stated): gnomAD exomes 0.00006 and 0.00017; ESP Exome Variant Server 0.00015; ExAC 0.00005; gnomAD 0.00013; 1000 Genomes Project 30x 0.00031; 1000 Genomes Project 0.00020; TOPMed 0.00009.
gnomAD v4.1: 270 of 1,613,960 alleles (0.017%); highest among the groups gnomAD compares: Non-Finnish European, 0.021%; no homozygotes.

Submissions (4):

Labcorp Genetics (formerly Invitae), Labcorp
Classification: Uncertain significance. Last evaluated: 2025-09-30. Review status: criteria provided, single submitter. Criteria: Invitae Variant Classification Sherloc (09022015). Collection method: clinical testing. Allele origin: germline.
Comment: This sequence change replaces valine, which is neutral and non-polar, with leucine, which is neutral and non-polar, at codon 101 of the MMP13 protein (p.Val101Leu). This variant is present in population databases (rs151254531, gnomAD 0.01%). This variant has not been reported in the literature in individuals affected with MMP13-related conditions. ClinVar contains an entry for this variant (Variation ID: 301990). Invitae Evidence Modeling of protein sequence and biophysical properties (such as structural, functional, and spatial information, amino acid conservation, physicochemical variation, residue mobility, and thermodynamic stability) indicates that this missense variant is not expected to disrupt MMP13 protein function with a negative predictive value of 80%. In summary, the available evidence is currently insufficient to determine the role of this variant in disease. Therefore, it has been classified as a Variant of Uncertain Significance.

GeneDx
Classification: Uncertain significance. Last evaluated: 2025-01-25. Review status: criteria provided, single submitter. Criteria: GeneDx Variant Classification Process June 2021. Collection method: clinical testing. Allele origin: germline.
Comment: In silico analysis indicates that this missense variant does not alter protein structure/function; In silico analysis suggests this variant may impact gene splicing. In the absence of RNA/functional studies, the actual effect of this sequence change is unknown.; Has not been previously published as pathogenic or benign to our knowledge

Illumina Laboratory Services, Illumina
Classification: Uncertain significance for Metaphyseal anadysplasia. Last evaluated: 2018-01-13. Review status: criteria provided, single submitter. Criteria: ICSL Variant Classification Criteria 13 December 2019. Collection method: clinical testing. Allele origin: germline.

Illumina Laboratory Services, Illumina
Classification: Uncertain significance for Spondyloepimetaphyseal dysplasia, Missouri type. Last evaluated: 2018-01-13. Review status: criteria provided, single submitter. Criteria: ICSL Variant Classification Criteria 13 December 2019. Collection method: clinical testing. Allele origin: germline.